The following is an entry in ClinVar:

ClinVar aggregate classification (germline): Uncertain significance (1 of 4 stars; one submission).

Allele frequency attached by ClinVar (database versions not stated): gnomAD exomes below 0.00001.
gnomAD v4.1: 2 of 1,609,240 alleles (0.00012%); highest among the groups gnomAD compares: Non-Finnish European, 0.00017%; no homozygotes.

Submission:

GeneDx
Classification: Uncertain significance. Last evaluated: 2020-01-02. Review status: criteria provided, single submitter. Criteria: GeneDx Variant Classification Process June 2021. Collection method: clinical testing. Allele origin: germline. Affected: yes.
Comment: Not observed in large population cohorts (Lek et al., 2016); In silico analysis, which includes protein predictors and evolutionary conservation, supports that this variant does not alter protein structure/function; Has not been previously published as pathogenic or benign to our knowledge

NM_000834.5(GRIN2B):c.976G>A (p.Glu326Lys)

Gene: GRIN2B (glutamate ionotropic receptor NMDA type subunit 2B; minus strand). Cytogenetic location: 12p13.1.
Variant type: single nucleotide variant.
Coding change: c.976G>A on transcript NM_000834.5 (MANE Select); coding-DNA position 976, G replaced by A.
Protein change: p.Glu326Lys; replaces glutamic acid 326 with lysine.
Molecular consequence: missense variant.
Genome position (GRCh38, 1-based): chr12:13,753,351, C>T on the plus strand (G>A on the coding strand, the complement: GRIN2B is on the minus strand). VCF-style: chr12-13753351-C-T. GRCh37 (hg19) VCF-style: chr12-13906285-C-T.
Other names: short protein forms E326K.
Identifiers: ClinVar variation 1311832 (VCV001311832.2), dbSNP rs1555132947, ClinGen allele CA384053017.